The following is an entry in ClinVar:

NM_000179.3(MSH6):c.754del (p.Ser252fs)

Gene: MSH6 (mutS homolog 6; plus strand). Cytogenetic location: 2p16.3.
Variant type: Deletion.
Coding change: c.754del on transcript NM_000179.3 (MANE Select); coding-DNA position 754, one base deleted (T; older notation c.754delT).
Protein change: p.Ser252fs; shifts the reading frame from serine 252.
Molecular consequence: frameshift variant. On other transcripts: 5 prime UTR variant (9), non-coding transcript variant (4), intron variant (1).
Genome position (GRCh38, 1-based): chr2:47,798,737, T deleted. VCF-style (leftmost placement, unchanged base first): chr2-47798736-AT-A. GRCh37 (hg19) VCF-style: chr2-48025875-AT-A.
Other names: c.364del, p.Ser122fs (NM_001281492.2); c.-153del (NM_001281493.2, NM_001281494.2, NM_001406811.1 and 6 more transcripts); c.850del, p.Ser284fs (NM_001406795.1, NM_001406802.1); c.754del, p.Ser252fs (NM_001406796.1, NM_001406798.1, NM_001406800.1 and 4 more transcripts); c.457del, p.Ser153fs (NM_001406797.1, NM_001406801.1, NM_001406805.1 and 10 more transcripts); c.229del, p.Ser77fs (NM_001406799.1, NM_001406806.1, NM_001406807.1); c.676del, p.Ser226fs (NM_001406804.1); c.760del, p.Ser254fs (NM_001406813.1); and 2 more; short protein forms S122fs, S153fs, S252fs, S196fs, S226fs, S254fs, S77fs, S284fs.
Identifiers: ClinVar variation 3398937 (VCV003398937.1).

ClinVar aggregate classification (germline): Pathogenic (1 of 4 stars; one submission).

Conditions:
Hereditary cancer-predisposing syndrome. Also called: Hereditary Cancer Syndrome; Tumor predisposition; Hereditary neoplastic syndrome; Neoplastic Syndromes, Hereditary. Identifiers: Orphanet 140162, MedGen C0027672, MeSH D009386, MONDO:0015356.

Submission:

Ambry Genetics
Classification: Pathogenic for Hereditary cancer-predisposing syndrome. Last evaluated: 2024-10-15. Review status: criteria provided, single submitter. Criteria: Ambry Variant Classification Scheme 2023. Collection method: clinical testing. Allele origin: germline.
Comment: The c.754delT pathogenic mutation, located in coding exon 4 of the MSH6 gene, results from a deletion of one nucleotide at nucleotide position 754, causing a translational frameshift with a predicted alternate stop codon (p.S252Qfs*27). This variant is considered to be rare based on population cohorts in the Genome Aggregation Database (gnomAD). This alteration is expected to result in loss of function by premature protein truncation or nonsense-mediated mRNA decay. As such, this alteration is interpreted as a disease-causing mutation.